The following is an entry in ClinVar:

NM_005431.2(XRCC2):c.316_319del (p.Glu105_Glu106insTer)

Gene: XRCC2 (X-ray repair cross complementing 2; minus strand). Cytogenetic location: 7q36.1.
Variant type: Deletion.
Coding change: c.316_319del on transcript NM_005431.2 (MANE Select); coding-DNA positions 316 to 319, 4 bases deleted (GAAA; older notation c.316_319delGAAA).
Protein change: p.Glu105_Glu106insTer.
Molecular consequence: nonsense.
Genome position (GRCh38, 1-based): chr7:152,649,166-152,649,169, TTTC deleted on the plus strand (GAAA on the coding strand, the reverse complement: XRCC2 is on the minus strand); deleting any 4 consecutive bases within chr7:152,649,166-152,649,171 gives the same sequence; the c. name uses the placement nearest the transcript's 3' end. VCF-style (leftmost placement, unchanged base first): chr7-152649165-ATTTC-A. GRCh37 (hg19) VCF-style: chr7-152346250-ATTTC-A.
Identifiers: ClinVar variation 3471451 (VCV003471451.1).

ClinVar aggregate classification (germline): Pathogenic (1 of 4 stars; one submission).

Conditions:
Hereditary cancer-predisposing syndrome. Also called: Tumor predisposition; Neoplastic Syndromes, Hereditary; Hereditary neoplastic syndrome; Hereditary Cancer Syndrome. Identifiers: Orphanet 140162, MedGen C0027672, MeSH D009386, MONDO:0015356.

Submission:

Ambry Genetics
Classification: Pathogenic for Hereditary cancer-predisposing syndrome. Last evaluated: 2024-07-22. Review status: criteria provided, single submitter. Criteria: Ambry Variant Classification Scheme 2023. Collection method: clinical testing. Allele origin: germline.
Comment: The c.316_319delGAAA pathogenic mutation, located in coding exon 3 of the XRCC2 gene, results from a deletion of 4 nucleotides at nucleotide positions 316 to 319, causing a translational frameshift with a predicted alternate stop codon (p.E106*). This alteration occurs at the 3' terminus of theXRCC2 gene, is not expected to trigger nonsense-mediated mRNA decay, and impacts the last 62% of the protein. However, premature stop codons are typically deleterious in nature and a significant portion of the protein is affected (Ambry internal data). Based on the supporting evidence, this variant is interpreted as a disease-causing mutation.